The following is an entry in ClinVar:

NM_006648.4(WNK2):c.191G>T (p.Gly64Val)

Gene: WNK2 (WNK lysine deficient protein kinase 2; plus strand). Cytogenetic location: 9q22.31.
Variant type: single nucleotide variant.
Coding change: c.191G>T on transcript NM_006648.4 (MANE Select); coding-DNA position 191, G replaced by T.
Protein change: p.Gly64Val; replaces glycine 64 with valine.
Molecular consequence: missense variant.
Genome position (GRCh38, 1-based): chr9:93,185,120, G>T. VCF-style: chr9-93185120-G-T. GRCh37 (hg19) VCF-style: chr9-95947402-G-T.
Other names: c.191G>T, p.Gly64Val (NM_001282394.3); short protein forms G64V.
Identifiers: ClinVar variation 4201855 (VCV004201855.1).

ClinVar aggregate classification (germline): Uncertain significance (1 of 4 stars; one submission).

Submission:

Ambry Genetics
Classification: Uncertain significance. Last evaluated: 2025-08-31. Review status: criteria provided, single submitter. Criteria: Ambry Variant Classification Scheme 2023. Collection method: clinical testing. Allele origin: germline.
Comment: The p.G64V variant (also known as c.191G>T), located in coding exon 1 of the WNK2 gene, results from a G to T substitution at nucleotide position 191. The glycine at codon 64 is replaced by valine, an amino acid with dissimilar properties. This amino acid position is conserved. In addition, this alteration is predicted to be tolerated by in silico analysis. Based on the available evidence, the clinical significance of this variant remains unclear.